The following is an entry in ClinVar:

NM_001291303.3(FAT4):c.14162G>A (p.Arg4721Lys)

Gene: FAT4 (FAT atypical cadherin 4; plus strand). Cytogenetic location: 4q28.1.
Variant type: single nucleotide variant.
Coding change: c.14162G>A on transcript NM_001291303.3 (MANE Select); coding-DNA position 14162, G replaced by A.
Protein change: p.Arg4721Lys; replaces arginine 4721 with lysine.
Molecular consequence: missense variant.
Genome position (GRCh38, 1-based): chr4:125,490,978, G>A. VCF-style: chr4-125490978-G-A. GRCh37 (hg19) VCF-style: chr4-126412133-G-A.
Other names: c.14159G>A, p.Arg4720Lys (NM_001291285.3); c.14156G>A, p.Arg4719Lys (NM_024582.6); c.14156G>A (NM_024582.5); short protein forms R4719K, R4720K, R4721K.
Identifiers: ClinVar variation 1938798 (VCV001938798.5), dbSNP rs1727613945, ClinGen allele CA358141134.
Genomic context (GRCh38, chr4:125,490,978, plus strand): 5'-CTCGACACAGTCCAGCCCCTTTCTCCAAATCTTCTACGTTCTATAGAAACAGCCCAGCAA[G>A]GGAATTGCATCTTCCTATAAGGGATGGTAATACTTTGGAAATGCATGGTGACACCTGCCA-3'
Protein context (NP_001278232.1, residues 4711-4731): SSTFYRNSPA[Arg4721Lys]ELHLPIRDGN

ClinVar aggregate classification (germline): Uncertain significance. Review status: criteria provided, multiple submitters, no conflicts (2 of 4 stars). 2 submissions from 2 submitters: Uncertain significance (2). Last evaluated 2024-06-13.

Conditions:
Hennekam lymphangiectasia-lymphedema syndrome 2 (HKLLS2). Identifiers: Orphanet 2136, MedGen C4014939, MONDO:0014454, OMIM 616006.
Van Maldergem syndrome 2 (VMLDS2). Identifiers: Orphanet 314679, MedGen C3809875, MONDO:0014242, OMIM 615546.

Allele frequency attached by ClinVar (database versions not stated): gnomAD 0.00001; TOPMed 0.00001.
gnomAD v4.1: 2 of 1,614,090 alleles (0.00012%); highest among the groups gnomAD compares: Admixed American, 0.0017%; no homozygotes.

Submissions (2):

Fulgent Genetics
Classification: Uncertain significance for Van Maldergem syndrome 2; Hennekam lymphangiectasia-lymphedema syndrome 2. Last evaluated: 2024-06-13. Review status: criteria provided, single submitter. Criteria: ACMG Guidelines, 2015. Collection method: clinical testing. Allele origin: germline.

Labcorp Genetics (formerly Invitae), Labcorp
Classification: Uncertain significance. Last evaluated: 2022-04-05. Review status: criteria provided, single submitter. Criteria: Invitae Variant Classification Sherloc (09022015). Collection method: clinical testing. Allele origin: germline.
Comment: In summary, the available evidence is currently insufficient to determine the role of this variant in disease. Therefore, it has been classified as a Variant of Uncertain Significance. Advanced modeling of protein sequence and biophysical properties (such as structural, functional, and spatial information, amino acid conservation, physicochemical variation, residue mobility, and thermodynamic stability) performed at Invitae indicates that this missense variant is not expected to disrupt FAT4 protein function. This variant has not been reported in the literature in individuals affected with FAT4-related conditions. This variant is not present in population databases (gnomAD no frequency). This sequence change replaces arginine, which is basic and polar, with lysine, which is basic and polar, at codon 4719 of the FAT4 protein (p.Arg4719Lys).